The following is an entry in ClinVar:

ClinVar aggregate classification (germline): Likely benign (1 of 4 stars; one submission).

Allele frequency attached by ClinVar (database versions not stated): ExAC 0.00002.
gnomAD v4.1: 8 of 1,613,796 alleles (0.0005%); highest among the groups gnomAD compares: East Asian, 0.0089%; no homozygotes.

Submission:

CeGaT Center for Human Genetics Tuebingen
Classification: Likely benign. Last evaluated: 2023-12-01. Review status: criteria provided, single submitter. Criteria: CeGaT Center For Human Genetics Tuebingen Variant Classification Criteria Version 2. Collection method: clinical testing. Allele origin: germline. Affected: yes. Observed: 1 variant allele.
Comment: NFIB: BP4, BP7

NM_001190737.2(NFIB):c.1137G>A (p.Ser379=)

Gene: NFIB (nuclear factor I B; minus strand). Cytogenetic location: 9p23.
Variant type: single nucleotide variant.
Coding change: c.1137G>A on transcript NM_001190737.2 (MANE Select); coding-DNA position 1137, G replaced by A.
Protein change: p.Ser379=; no amino-acid change (serine 379 retained).
Molecular consequence: synonymous variant. On other transcripts: non-coding transcript variant (4).
Genome position (GRCh38, 1-based): chr9:14,120,548, C>T on the plus strand (G>A on the coding strand, the complement: NFIB is on the minus strand). VCF-style: chr9-14120548-C-T. GRCh37 (hg19) VCF-style: chr9-14120547-C-T.
Other names: c.1215G>A, p.Ser405= (NM_001190738.2); c.381G>A, p.Ser127= (NM_001282787.2); c.1203G>A, p.Ser401= (NM_001369458.1, NM_001369459.1, NM_001369462.1 and 1 more transcripts); c.1125G>A, p.Ser375= (NM_001369460.1, NM_001369463.1, NM_001369466.1 and 1 more transcripts); c.1137G>A, p.Ser379= (NM_001369461.1, NM_001369464.1, NM_005596.3); c.1110G>A, p.Ser370= (NM_001369465.1, NM_001369467.1, NM_001369476.1); c.993G>A, p.Ser331= (NM_001369469.1); c.900G>A, p.Ser300= (NM_001369470.1, NM_001369478.1); and 6 more.
Identifiers: ClinVar variation 2673168 (VCV002673168.23), dbSNP rs746059013, ClinGen allele CA4988451.
Genomic context (GRCh38, chr9:14,120,548, plus strand): 5'-CAGAGTATCCTGAGGATTCAGGTGGGGAGGATATCTGATTGTTGGATGAGAAAAGTAGCT[C>T]GATGGGGCTGGAGGAAGGATAGCTTGTGTTGGAAATGGCAACGGTGAAGGTGGAGGTGGA-3'
Protein context (NP_001177666.1, residues 369-389): PTQAILPPAP[Ser379=]SYFSHPTIRY